The following is an entry in ClinVar:

NM_015447.4(CAMSAP1):c.699G>A (p.Arg233=)

Gene: CAMSAP1 (calmodulin regulated spectrin associated protein 1; minus strand). Cytogenetic location: 9q34.3.
Variant type: single nucleotide variant.
Coding change: c.699G>A on transcript NM_015447.4 (MANE Select); coding-DNA position 699, G replaced by A.
Protein change: p.Arg233=; no amino-acid change (arginine 233 retained).
Molecular consequence: synonymous variant. On other transcripts: intron variant (1).
Genome position (GRCh38, 1-based): chr9:135,862,576, C>T on the plus strand (G>A on the coding strand, the complement: CAMSAP1 is on the minus strand). VCF-style: chr9-135862576-C-T. GRCh37 (hg19) VCF-style: chr9-138754422-C-T.
Other names: c.732G>A, p.Arg244= (NM_001437279.1); c.267G>A, p.Arg89= (NM_001437280.1); c.102G>A, p.Arg34= (NM_001437281.1); c.-27+3880G>A (NM_001411031.1).
Identifiers: ClinVar variation 4873496 (VCV004873496.2).
Genomic context (GRCh38, chr9:135,862,576, plus strand): 5'-AGCAGCACCATCACTGCCGTCTCTCATCAAATCCTCCAACAACGGGAAGTAGGGTGACTG[C>T]CTAGCAGAAAGGTGCTCTCGTCGATAGCGGACCTGTAGTTGATAAAAGGAAAACGGTCTC-3'
Protein context (NP_056262.3, residues 223-243): VRYRREHLSA[Arg233=]QSPYFPLLED

ClinVar aggregate classification (germline): Likely benign (1 of 4 stars; one submission).

gnomAD v4.1: 166 of 1,551,556 alleles (0.011%); highest among the groups gnomAD compares: South Asian, 0.023%; 1 homozygote.

Submission:

CeGaT Center for Human Genetics Tuebingen
Classification: Likely benign. Last evaluated: 2026-05-01. Review status: criteria provided, single submitter. Criteria: CeGaT Center For Human Genetics Tuebingen Variant Classification Criteria Version 2. Collection method: clinical testing. Allele origin: germline. Affected: yes. Observed: 1 variant allele.
Comment: CAMSAP1: BP4, BS2